The following is an entry in ClinVar:

NM_001303256.3(MORC2):c.988-27_988-18del

Gene: MORC2 (MORC family CW-type zinc finger 2; minus strand). Cytogenetic location: 22q12.2.
Variant type: Deletion.
Coding change: c.988-27_988-18del on transcript NM_001303256.3 (MANE Select); 27 bases into the intron before coding-DNA position 988 through 18 bases into the intron before coding-DNA position 988, 10 bases deleted (CCCCTCACCT; older notation c.988-27_988-18delCCCCTCACCT).
Molecular consequence: intron variant.
Genome position (GRCh38, 1-based): chr22:30,939,724-30,939,733, AGGTGAGGGG deleted on the plus strand (CCCCTCACCT on the coding strand, the reverse complement: MORC2 is on the minus strand); deleting any 10 consecutive bases within chr22:30,939,724-30,939,738 gives the same sequence; the c. name uses the placement nearest the transcript's 3' end. VCF-style (leftmost placement, unchanged base first): chr22-30939723-CAGGTGAGGGG-C. GRCh37 (hg19) VCF-style: chr22-31335710-CAGGTGAGGGG-C.
Other names: c.988-27_988-18del (NM_001303257.2); c.802-27_802-18del (NM_014941.3).
Identifiers: ClinVar variation 3627278 (VCV003627278.2).
Genomic context (GRCh38, chr22:30,939,723, plus strand): 5'-CTGCGCAGAGTGATGGCTCTGTTCTGGACCTGTCGCAACATCACCTGCACACATTGACAT[CAGGTGAGGGG>C]AGGTGGCACTCTAGGCCACAGCAGGGAATATTGAAACATTACATCTAAGACATCTCAATT-3'

ClinVar aggregate classification (germline): Uncertain significance (1 of 4 stars; one submission).

Conditions:
Charcot-Marie-Tooth disease axonal type 2Z. Also called: CHARCOT-MARIE-TOOTH DISEASE, AXONAL, AUTOSOMAL DOMINANT, TYPE 2Z; CHARCOT-MARIE-TOOTH NEUROPATHY, TYPE 2Z. Identifiers: Orphanet 466768, MedGen C5569025, MONDO:0014736, OMIM 616688.

Submission:

Labcorp Genetics (formerly Invitae), Labcorp
Classification: Uncertain significance for Charcot-Marie-Tooth disease axonal type 2Z. Last evaluated: 2024-09-29. Review status: criteria provided, single submitter. Criteria: Invitae Variant Classification Sherloc (09022015). Collection method: clinical testing. Allele origin: germline.
Comment: This sequence change falls in intron 11 of the MORC2 gene. It does not directly change the encoded amino acid sequence of the MORC2 protein. This variant is not present in population databases (gnomAD no frequency). This variant has not been reported in the literature in individuals affected with MORC2-related conditions. Algorithms developed to predict the effect of sequence changes on RNA splicing suggest that this variant may create or strengthen a splice site. In summary, the available evidence is currently insufficient to determine the role of this variant in disease. Therefore, it has been classified as a Variant of Uncertain Significance.